The following is an entry in ClinVar:

ClinVar aggregate classification (germline): Uncertain significance (1 of 4 stars; one submission).

Submission:

GeneDx
Classification: Uncertain significance. Last evaluated: 2023-12-29. Review status: criteria provided, single submitter. Criteria: GeneDx Variant Classification Process June 2021. Collection method: clinical testing. Allele origin: germline. Affected: yes.
Comment: Not observed at significant frequency in large population cohorts (gnomAD); In silico analysis supports that this missense variant has a deleterious effect on protein structure/function; Has not been previously published as pathogenic or benign to our knowledge

NM_025215.6(PUS1):c.587G>A (p.Cys196Tyr)

Gene: PUS1 (pseudouridine synthase 1; plus strand). Cytogenetic location: 12q24.33.
Variant type: single nucleotide variant.
Coding change: c.587G>A on transcript NM_025215.6 (MANE Select); coding-DNA position 587, G replaced by A.
Protein change: p.Cys196Tyr; replaces cysteine 196 with tyrosine.
Molecular consequence: missense variant.
Genome position (GRCh38, 1-based): chr12:131,941,334, G>A. VCF-style: chr12-131941334-G-A. GRCh37 (hg19) VCF-style: chr12-132425879-G-A.
Other names: c.503G>A, p.Cys168Tyr (NM_001002019.3, NM_001002020.3); short protein forms C168Y, C196Y.
Identifiers: ClinVar variation 3367248 (VCV003367248.1).